The following is an entry in ClinVar:

ClinVar aggregate classification (germline): Conflicting classifications of pathogenicity. Review status: criteria provided, conflicting classifications (1 of 4 stars). 3 submissions from 3 submitters: Likely pathogenic (1); Uncertain significance (2). Last evaluated 2025-03-24.

Conditions:
Generalized epilepsy with febrile seizures plus, type 2 (GEFSP2). Also called: GEFS+, TYPE 2. Identifiers: Orphanet 36387, MedGen C1858673, MONDO:0011461, OMIM 604403.
Early-infantile DEE. Also called: Early infantile epileptic encephalopathy; Ohtahara syndrome; Early infantile epileptic encephalopathy with suppression bursts. Identifiers: Orphanet 1934, MedGen C0393706, MONDO:0800491.

Allele frequency attached by ClinVar (database versions not stated): gnomAD exomes below 0.00001.
gnomAD v4.1: 1 of 1,614,000 alleles (0.000062%); highest among the groups gnomAD compares: Admixed American, 0.0017%; no homozygotes.

Submissions (3):

GeneDx
Classification: Uncertain significance. Last evaluated: 2025-03-24. Review status: criteria provided, single submitter. Criteria: GeneDx Variant Classification Process June 2021. Collection method: clinical testing. Allele origin: germline.
Comment: Not observed at significant frequency in large population cohorts (gnomAD); In silico analysis supports that this missense variant has a deleterious effect on protein structure/function; Has not been previously published as pathogenic or benign to our knowledge; This substitution is predicted to be within the transmembrane segment S3 of the second homologous domain

Labcorp Genetics (formerly Invitae), Labcorp
Classification: Uncertain significance for Early-infantile DEE. Last evaluated: 2022-10-13. Review status: criteria provided, single submitter. Criteria: Invitae Variant Classification Sherloc (09022015). Collection method: clinical testing. Allele origin: germline.
Comment: This variant is not present in population databases (gnomAD no frequency). This variant has not been reported in the literature in individuals affected with SCN1A-related conditions. ClinVar contains an entry for this variant (Variation ID: 1474345). Advanced modeling of protein sequence and biophysical properties (such as structural, functional, and spatial information, amino acid conservation, physicochemical variation, residue mobility, and thermodynamic stability) performed at Invitae indicates that this missense variant is expected to disrupt SCN1A protein function. In summary, the available evidence is currently insufficient to determine the role of this variant in disease. Therefore, it has been classified as a Variant of Uncertain Significance. This sequence change replaces isoleucine, which is neutral and non-polar, with threonine, which is neutral and polar, at codon 839 of the SCN1A protein (p.Ile839Thr).

Baylor Genetics
Classification: Likely pathogenic for Generalized epilepsy with febrile seizures plus, type 2. Last evaluated: 2022-08-06. Review status: criteria provided, single submitter. Criteria: ACMG Guidelines, 2015. Collection method: clinical testing. Allele origin: unknown.

NM_001165963.4(SCN1A):c.2516T>C (p.Ile839Thr)

Gene: SCN1A (sodium voltage-gated channel alpha subunit 1; minus strand). Cytogenetic location: 2q24.3.
Variant type: single nucleotide variant.
Coding change: c.2516T>C on transcript NM_001165963.4 (MANE Select); coding-DNA position 2516, T replaced by C.
Protein change: p.Ile839Thr; replaces isoleucine 839 with threonine.
Molecular consequence: missense variant. On other transcripts: non-coding transcript variant (1).
Genome position (GRCh38, 1-based): chr2:166,039,496, A>G on the plus strand (T>C on the coding strand, the complement: SCN1A is on the minus strand). VCF-style: chr2-166039496-A-G. GRCh37 (hg19) VCF-style: chr2-166896006-A-G.
Other names: c.2432T>C, p.Ile811Thr (NM_001165964.3, NM_001353957.2, NM_001353958.2); c.2516T>C, p.Ile839Thr (NM_001202435.3, NM_001353948.2); c.2483T>C, p.Ile828Thr (NM_001353949.2, NM_001353950.2, NM_001353951.2 and 2 more transcripts); c.2480T>C, p.Ile827Thr (NM_001353954.2, NM_001353955.2); c.2429T>C, p.Ile810Thr (NM_001353960.2); c.74T>C, p.Ile25Thr (NM_001353961.2); c.2516T>C (NM_001165963.3, NM_001165963.1); short protein forms I828T, I25T, I827T, I811T, I810T, I839T.
Identifiers: ClinVar variation 1474345 (VCV001474345.10), dbSNP rs2105817051, ClinGen allele CA349062561.